The following is an entry in ClinVar:

ClinVar aggregate classification (germline): Pathogenic/Likely pathogenic. Review status: criteria provided, multiple submitters, no conflicts (2 of 4 stars). 4 submissions from 4 submitters: Pathogenic (2); Likely pathogenic (1). 1 of the submissions does not count toward it. Last evaluated 2024-03-19.

Conditions:
GBA2-related disorder. Also called: GBA2-related condition.
GBA2-related disorders.
Spastic paraplegia. Identifiers: MedGen C0037772, HP:0001258.
Hereditary spastic paraplegia 46. Also called: Spastic paraplegia 46, autosomal recessive. Identifiers: Orphanet 320391, MedGen C2828721, MONDO:0013737, OMIM 614409.

Allele frequency attached by ClinVar (database versions not stated): TOPMed below 0.00001; gnomAD 0.00001; gnomAD exomes 0.00001.

Submissions (4):

Women's Health and Genetics/Laboratory Corporation of America, LabCorp
Classification: Pathogenic for Hereditary spastic paraplegia 46. Last evaluated: 2024-03-19. Review status: criteria provided, single submitter. Criteria: LabCorp Variant Classification Summary - May 2015. Collection method: clinical testing. Allele origin: germline.
Comment: Variant summary: GBA2 c.2202delC (p.Tyr735IlefsX26) results in a premature termination codon, predicted to cause absence of the protein due to nonsense mediated decay, which is a commonly known mechanism for disease. The variant allele was found at a frequency of 8e-06 in 251426 control chromosomes (gnomAD). c.2202delC has been reported in the literature in the homozygous state in at least two individuals affected with Spastic Paraplegia 46, Autosomal Recessive (Haj Salem_2021). These data indicate that the variant is likely to be associated with disease. To our knowledge, no experimental evidence demonstrating an impact on protein function has been reported. The following publication has been ascertained in the context of this evaluation (PMID: 33397523). ClinVar contains an entry for this variant (Variation ID: 567447). Based on the evidence outlined above, the variant was classified as pathogenic.

Blueprint Genetics
Classification: Likely pathogenic for GBA2-related disorders. Last evaluated: 2023-09-13. Review status: criteria provided, single submitter. Criteria: ACMG Guidelines, 2015. Collection method: clinical testing. Allele origin: germline. Affected: yes. Observed: 4 variant alleles.

Labcorp Genetics (formerly Invitae), Labcorp
Classification: Pathogenic for Spastic paraplegia. Last evaluated: 2022-04-10. Review status: criteria provided, single submitter. Criteria: Invitae Variant Classification Sherloc (09022015). Collection method: clinical testing. Allele origin: germline.
Comment: For these reasons, this variant has been classified as Pathogenic. ClinVar contains an entry for this variant (Variation ID: 567447). This variant has not been reported in the literature in individuals affected with GBA2-related conditions. This variant is present in population databases (no rsID available, gnomAD 0.002%). This sequence change creates a premature translational stop signal (p.Tyr735Ilefs*26) in the GBA2 gene. It is expected to result in an absent or disrupted protein product. Loss-of-function variants in GBA2 are known to be pathogenic (PMID: 23332916, 23332917).

PreventionGenetics, part of Exact Sciences
Classification: Likely pathogenic for GBA2-related condition. Last evaluated: 2024-05-06. Review status: no assertion criteria provided. Collection method: clinical testing. Allele origin: germline. Not counted in ClinVar's aggregate classification.
Comment: The GBA2 c.2202delC variant is predicted to result in a frameshift and premature protein termination (p.Tyr735Ilefs*26). To our knowledge, this variant has not been reported in the literature. This variant is reported in 0.0023% of alleles in individuals of European (Non-Finnish) descent in gnomAD. Frameshift variants in GBA2 are expected to be pathogenic. This variant is interpreted as likely pathogenic.

Literature cited by the submitters: PubMed 33397523 (cited by Women's Health and Genetics/Laboratory Corporation of America, LabCorp); PubMed 23332916 (cited by Labcorp Genetics (formerly Invitae), Labcorp); PubMed 23332917 (cited by Labcorp Genetics (formerly Invitae), Labcorp).

NM_020944.3(GBA2):c.2202del (p.Tyr735fs)

Gene: GBA2 (glucosylceramidase beta 2; minus strand). Cytogenetic location: 9p13.3.
Variant type: Deletion.
Coding change: c.2202del on transcript NM_020944.3 (MANE Select); coding-DNA position 2202, one base deleted (C; older notation c.2202delC).
Protein change: p.Tyr735fs; shifts the reading frame from tyrosine 735.
Molecular consequence: frameshift variant.
Genome position (GRCh38, 1-based): chr9:35,738,148, G deleted on the plus strand (C on the coding strand, the reverse complement: GBA2 is on the minus strand). VCF-style (leftmost placement, unchanged base first): chr9-35738147-AG-A. GRCh37 (hg19) VCF-style: chr9-35738144-AG-A.
Other names: c.2202del, p.Tyr735fs (NM_001330660.2); c.2202delC (NM_020944.3); short protein forms Y735fs.
Identifiers: ClinVar variation 567447 (VCV000567447.10), dbSNP rs1448182827, ClinGen allele CA588145540.